The following is an entry in ClinVar:

NM_004482.4(GALNT3):c.*783A>G

Gene: GALNT3 (polypeptide N-acetylgalactosaminyltransferase 3; minus strand). Cytogenetic location: 2q24.3.
Variant type: single nucleotide variant.
Coding change: c.*783A>G on transcript NM_004482.4 (MANE Select); 783 bases downstream of the stop codon, A replaced by G.
Molecular consequence: 3 prime UTR variant.
Genome position (GRCh38, 1-based): chr2:165,747,998, T>C on the plus strand (A>G on the coding strand, the complement: GALNT3 is on the minus strand). VCF-style: chr2-165747998-T-C. GRCh37 (hg19) VCF-style: chr2-166604508-T-C.
Identifiers: ClinVar variation 331773 (VCV000331773.5), dbSNP rs115493554, ClinGen allele CA10611521.

ClinVar aggregate classification (germline): Benign (1 of 4 stars; one submission).

Conditions:
Tumoral calcinosis, hyperphosphatemic, familial, 1. Also called: LIPOCALCINOGRANULOMATOSIS; MORBUS TEUTSCHLAENDER; TEUTSCHLAENDER DISEASE, FAMILIAL; TUMORAL CALCINOSIS, PRIMARY HYPERPHOSPHATEMIC; CALCINOSIS, TUMORAL, WITH HYPERPHOSPHATEMIA; HYPEROSTOSIS WITH HYPERPHOSPHATEMIA. Identifiers: Orphanet 53715, MedGen C4692564, MONDO:0100252, OMIM 211900.

Allele frequency attached by ClinVar (database versions not stated): gnomAD exomes 0.00148; gnomAD 0.00984 and 0.01034; TOPMed 0.01112; 1000 Genomes Project 0.01318; 1000 Genomes Project 30x 0.01405.
gnomAD v4.1: 1,517 of 177,222 alleles (0.86%); highest among the groups gnomAD compares: African/African-American, 3.4%; 24 homozygotes.

Submission:

Illumina Laboratory Services, Illumina
Classification: Benign for Tumoral calcinosis, hyperphosphatemic, familial, 1. Last evaluated: 2018-01-13. Review status: criteria provided, single submitter. Criteria: ICSL Variant Classification Criteria 13 December 2019. Collection method: clinical testing. Allele origin: germline.
Comment: This variant was observed in the ICSL laboratory as part of a predisposition screen in an ostensibly healthy population. It had not been previously curated by ICSL or reported in the Human Gene Mutation Database (HGMD: prior to June 1st, 2018), and was therefore a candidate for classification through an automated scoring system. Utilizing variant allele frequency, disease prevalence and penetrance estimates, and inheritance mode, an automated score was calculated to assess if this variant is too frequent to cause the disease. Based on the score and internal cut-off values, a variant classified as benign is not then subjected to further curation. The score for this variant resulted in a classification of benign for this disease.